The following is an entry in ClinVar:

ClinVar aggregate classification (germline): Uncertain significance (1 of 4 stars; one submission).

Conditions:
Fanconi anemia complementation group J. Also called: BRIP1-Related Fanconi Anemia. Identifiers: Orphanet 84, MedGen C1836860, MONDO:0012187, OMIM 609054.
Familial cancer of breast. Also called: BREAST CANCER, FAMILIAL; Hereditary breast cancer; hereditary breast carcinoma. Identifiers: Orphanet 227535, MedGen C0346153, MONDO:0016419, OMIM 114480. Disease mechanism: loss of function.

Submission:

Labcorp Genetics (formerly Invitae), Labcorp
Classification: Uncertain significance for Familial cancer of breast; Fanconi anemia complementation group J. Last evaluated: 2023-07-20. Review status: criteria provided, single submitter. Criteria: Invitae Variant Classification Sherloc (09022015). Collection method: clinical testing. Allele origin: germline.
Comment: This variant is not present in population databases (gnomAD no frequency). This sequence change replaces cysteine, which is neutral and slightly polar, with tyrosine, which is neutral and polar, at codon 761 of the BRIP1 protein (p.Cys761Tyr). This variant has not been reported in the literature in individuals affected with BRIP1-related conditions. Advanced modeling of protein sequence and biophysical properties (such as structural, functional, and spatial information, amino acid conservation, physicochemical variation, residue mobility, and thermodynamic stability) performed at Invitae indicates that this missense variant is not expected to disrupt BRIP1 protein function. In summary, the available evidence is currently insufficient to determine the role of this variant in disease. Therefore, it has been classified as a Variant of Uncertain Significance.

NM_032043.3(BRIP1):c.2282G>A (p.Cys761Tyr)

Gene: BRIP1 (BRCA1 interacting DNA helicase 1; minus strand). Cytogenetic location: 17q23.2.
Variant type: single nucleotide variant.
Coding change: c.2282G>A on transcript NM_032043.3 (MANE Select); coding-DNA position 2282, G replaced by A.
Protein change: p.Cys761Tyr; replaces cysteine 761 with tyrosine.
Molecular consequence: missense variant.
Genome position (GRCh38, 1-based): chr17:61,743,110, C>T on the plus strand (G>A on the coding strand, the complement: BRIP1 is on the minus strand). VCF-style: chr17-61743110-C-T. GRCh37 (hg19) VCF-style: chr17-59820471-C-T.
Other names: short protein forms C761Y.
Identifiers: ClinVar variation 2948911 (VCV002948911.3), dbSNP rs1567779745, ClinGen allele CA400482720.